The following is an entry in ClinVar:

NM_003848.4(SUCLG2):c.119T>G (p.Leu40Arg)

Gene: SUCLG2 (succinate-CoA ligase GDP-forming subunit beta; minus strand). Cytogenetic location: 3p14.1.
Variant type: single nucleotide variant.
Coding change: c.119T>G on transcript NM_003848.4 (MANE Select); coding-DNA position 119, T replaced by G.
Protein change: p.Leu40Arg; replaces leucine 40 with arginine.
Molecular consequence: missense variant.
Genome position (GRCh38, 1-based): chr3:67,609,562, A>C on the plus strand (T>G on the coding strand, the complement: SUCLG2 is on the minus strand). VCF-style: chr3-67609562-A-C. GRCh37 (hg19) VCF-style: chr3-67659986-A-C.
Other names: c.119T>G, p.Leu40Arg (NM_001177599.2); short protein forms L40R.
Identifiers: ClinVar variation 3669510 (VCV003669510.2).

ClinVar aggregate classification (germline): Uncertain significance (1 of 4 stars; one submission).

gnomAD v4.1: 2 of 1,613,906 alleles (0.00012%); highest among the groups gnomAD compares: East Asian, 0.0045%; no homozygotes.

Submission:

Labcorp Genetics (formerly Invitae), Labcorp
Classification: Uncertain significance. Last evaluated: 2025-01-22. Review status: criteria provided, single submitter. Criteria: Invitae Variant Classification Sherloc (09022015). Collection method: clinical testing. Allele origin: germline.
Comment: This sequence change replaces leucine, which is neutral and non-polar, with arginine, which is basic and polar, at codon 40 of the SUCLG2 protein (p.Leu40Arg). This variant is present in population databases (rs751290878, gnomAD 0.01%). This variant has not been reported in the literature in individuals affected with SUCLG2-related conditions. An algorithm developed to predict the effect of missense changes on protein structure and function (PolyPhen-2) suggests that this variant is likely to be disruptive. In summary, the available evidence is currently insufficient to determine the role of this variant in disease. Therefore, it has been classified as a Variant of Uncertain Significance.